The following is an entry in ClinVar:

ClinVar aggregate classification (germline): Pathogenic (1 of 4 stars; one submission).

Conditions:
Ataxia-telangiectasia syndrome (AT). Also called: Ataxia-telangiectasia, complementation group D; AT, COMPLEMENTATION GROUP C; ATAXIA-TELANGIECTASIA, COMPLEMENTATION GROUP A; ATAXIA-TELANGIECTASIA, FRESNO VARIANT; Ataxia-telangiectasia; Ataxia-telangiectasia, complementation group E. Identifiers: Orphanet 100, MedGen C0004135, MONDO:0008840, OMIM 208900.

Submission:

Labcorp Genetics (formerly Invitae), Labcorp
Classification: Pathogenic for Ataxia-telangiectasia syndrome. Last evaluated: 2025-10-08. Review status: criteria provided, single submitter. Criteria: Invitae Variant Classification Sherloc (09022015). Collection method: clinical testing. Allele origin: germline.
Comment: This sequence change creates a premature translational stop signal (p.Ile2683Tyrfs*10) in the ATM gene. It is expected to result in an absent or disrupted protein product. Loss-of-function variants in ATM are known to be pathogenic (PMID: 23807571, 25614872). This variant is not present in population databases (gnomAD no frequency). This variant has not been reported in the literature in individuals affected with ATM-related conditions. For these reasons, this variant has been classified as Pathogenic.

Literature cited by the submitters: PubMed 23807571; PubMed 25614872.

NM_000051.4(ATM):c.8046del (p.Ile2683fs)

Genes: ATM (ATM serine/threonine kinase; plus strand), C11orf65 (chromosome 11 open reading frame 65; minus strand). Cytogenetic location: 11q22.3.
Variant type: Deletion.
Coding change: c.8046del on transcript NM_000051.4 (MANE Select); coding-DNA position 8046, one base deleted (T; older notation c.8046delT).
Protein change: p.Ile2683fs; shifts the reading frame from isoleucine 2683.
Molecular consequence: frameshift variant. On other transcripts: intron variant (2).
Genome position (GRCh38, 1-based): chr11:108,335,004, T deleted. VCF-style (leftmost placement, unchanged base first): chr11-108335003-CT-C. GRCh37 (hg19) VCF-style: chr11-108205730-CT-C.
Other names: c.8046del, p.Ile2683fs (NM_001351834.2); c.641-25933del (NM_001330368.2); c.*38+216del (NM_001351110.2); short protein forms I2683fs.
Identifiers: ClinVar variation 4719745 (VCV004719745.1).